The following is an entry in ClinVar:

NM_001130987.2(DYSF):c.1966A>C (p.Ser656Arg)

Gene: DYSF (dysferlin; plus strand). Cytogenetic location: 2p13.2.
Variant type: single nucleotide variant.
Coding change: c.1966A>C on transcript NM_001130987.2 (MANE Select); coding-DNA position 1966, A replaced by C.
Protein change: p.Ser656Arg; replaces serine 656 with arginine.
Molecular consequence: missense variant.
Genome position (GRCh38, 1-based): chr2:71,553,170, A>C. VCF-style: chr2-71553170-A-C. GRCh37 (hg19) VCF-style: chr2-71780300-A-C.
Other names: c.1963A>C, p.Ser655Arg (NM_001130980.2, NM_001130981.2); c.2008A>C, p.Ser670Arg (NM_001130982.2); c.1915A>C, p.Ser639Arg (NM_001130983.2, NM_001130455.2); c.1873A>C, p.Ser625Arg (NM_001130984.2, NM_001130986.2); c.1966A>C, p.Ser656Arg (NM_001130985.2); c.1912A>C, p.Ser638Arg (NM_003494.4, NM_001130978.2); c.1870A>C, p.Ser624Arg (NM_001130976.2, NM_001130977.2); c.2005A>C, p.Ser669Arg (NM_001130979.2); short protein forms S638R, S639R, S670R, S624R, S656R, S625R, S669R, S655R.
Identifiers: ClinVar variation 1521905 (VCV001521905.5), dbSNP rs765366281, ClinGen allele CA1705989.
Genomic context (GRCh38, chr2:71,553,170, plus strand): 5'-GGGAACTACGGGAACAAGTTCGACATGACCTGCCTGCCGCTGGCCTCCACCACTCAGTAC[A>C]GCCGTGCAGTCTTTGACGGTGAGGCAGTGCTCCTGGCTGGGACCCCGATCACAGGATCAT-3'
Protein context (NP_001124459.1, residues 646-666): CLPLASTTQY[Ser656Arg]RAVFDGCHYY

ClinVar aggregate classification (germline): Uncertain significance (1 of 4 stars; one submission).

Conditions:
Neuromuscular disease caused by qualitative or quantitative defects of dysferlin. Also called: Dysferlinopathy; Qualitative or quantitative defects of dysferlin. Identifiers: Orphanet 207073, MedGen C2931687, MONDO:0016145.

Allele frequency attached by ClinVar (database versions not stated): gnomAD exomes below 0.00001; ExAC 0.00001.

Submission:

Labcorp Genetics (formerly Invitae), Labcorp
Classification: Uncertain significance for Neuromuscular disease caused by qualitative or quantitative defects of dysferlin. Last evaluated: 2025-01-13. Review status: criteria provided, single submitter. Criteria: Invitae Variant Classification Sherloc (09022015). Collection method: clinical testing. Allele origin: germline.
Comment: This sequence change replaces serine, which is neutral and polar, with arginine, which is basic and polar, at codon 638 of the DYSF protein (p.Ser638Arg). This variant is present in population databases (rs765366281, gnomAD 0.0009%). This variant has not been reported in the literature in individuals affected with DYSF-related conditions. ClinVar contains an entry for this variant (Variation ID: 1521905). Invitae Evidence Modeling of protein sequence and biophysical properties (such as structural, functional, and spatial information, amino acid conservation, physicochemical variation, residue mobility, and thermodynamic stability) indicates that this missense variant is not expected to disrupt DYSF protein function with a negative predictive value of 80%. In summary, the available evidence is currently insufficient to determine the role of this variant in disease. Therefore, it has been classified as a Variant of Uncertain Significance.